The following is an entry in ClinVar:

ClinVar aggregate classification (germline): Uncertain significance (1 of 4 stars; one submission).

Allele frequency attached by ClinVar (database versions not stated): TOPMed 0.00002; ESP Exome Variant Server 0.00015.
gnomAD v4.1: 23 of 1,614,074 alleles (0.0014%); highest among the groups gnomAD compares: Non-Finnish European, 0.0019%; no homozygotes.

Submission:

Labcorp Genetics (formerly Invitae), Labcorp
Classification: Uncertain significance. Last evaluated: 2023-12-26. Review status: criteria provided, single submitter. Criteria: Invitae Variant Classification Sherloc (09022015). Collection method: clinical testing. Allele origin: germline.
Comment: This sequence change replaces histidine, which is basic and polar, with glutamine, which is neutral and polar, at codon 1244 of the KANK1 protein (p.His1244Gln). This variant is present in population databases (rs141543079, gnomAD 0.01%). This variant has not been reported in the literature in individuals affected with KANK1-related conditions. An algorithm developed to predict the effect of missense changes on protein structure and function (PolyPhen-2) suggests that this variant is likely to be disruptive. In summary, the available evidence is currently insufficient to determine the role of this variant in disease. Therefore, it has been classified as a Variant of Uncertain Significance.

NM_015158.5(KANK1):c.3732C>A (p.His1244Gln)

Gene: KANK1 (KN motif and ankyrin repeat domains 1; plus strand). Cytogenetic location: 9p24.3.
Variant type: single nucleotide variant.
Coding change: c.3732C>A on transcript NM_015158.5 (MANE Select); coding-DNA position 3732, C replaced by A.
Protein change: p.His1244Gln; replaces histidine 1244 with glutamine.
Molecular consequence: missense variant. On other transcripts: non-coding transcript variant (1).
Genome position (GRCh38, 1-based): chr9:742,240, C>A. VCF-style: chr9-742240-C-A. GRCh37 (hg19) VCF-style: chr9-742240-C-A.
Other names: c.3732C>A, p.His1244Gln (NM_001256876.3, NM_001256877.3, NM_001354334.2); c.3492C>A, p.His1164Gln (NM_001354331.2); c.3678C>A, p.His1226Gln (NM_001354332.2); c.3258C>A, p.His1086Gln (NM_001354333.2, NM_001354335.2, NM_001354337.2 and 2 more transcripts); c.2964C>A, p.His988Gln (NM_001354336.2); c.3204C>A, p.His1068Gln (NM_001354338.2, NM_001354340.2, NM_001354344.2); c.3018C>A, p.His1006Gln (NM_001354339.2, NM_001354342.2, NM_001354343.2); short protein forms H1226Q, H1244Q, H1006Q, H1086Q, H1068Q, H1164Q, H988Q.
Identifiers: ClinVar variation 2728071 (VCV002728071.3), dbSNP rs141543079, ClinGen allele CA4961154.